The following is an entry in ClinVar:

NM_001145809.2(MYH14):c.5873G>T (p.Arg1958Leu)

Gene: MYH14 (myosin heavy chain 14; plus strand). Cytogenetic location: 19q13.33.
Variant type: single nucleotide variant.
Coding change: c.5873G>T on transcript NM_001145809.2 (MANE Select); coding-DNA position 5873, G replaced by T.
Protein change: p.Arg1958Leu; replaces arginine 1958 with leucine.
Molecular consequence: missense variant.
Genome position (GRCh38, 1-based): chr19:50,309,090, G>T. VCF-style: chr19-50309090-G-T. GRCh37 (hg19) VCF-style: chr19-50812347-G-T.
Other names: c.5774G>T, p.Arg1925Leu (NM_001077186.2); c.5750G>T, p.Arg1917Leu (NM_024729.4); short protein forms R1925L, R1917L, R1958L.
Identifiers: ClinVar variation 4992220 (VCV004992220.1).

ClinVar aggregate classification (germline): Uncertain significance (1 of 4 stars; one submission).

Conditions:
MYH14-related disorder. Also called: MYH14-related condition.

gnomAD v4.1: 3 of 1,613,796 alleles (0.00019%); highest among the groups gnomAD compares: Non-Finnish European, 0.00025%; no homozygotes.

Submission:

PreventionGenetics, part of Exact Sciences
Classification: Uncertain significance for MYH14-related condition. Last evaluated: 2025-10-15. Review status: criteria provided, single submitter. Criteria: ACMG Guidelines, 2015. Collection method: clinical testing. Allele origin: germline.
Comment: The MYH14 c.5873G>T variant is predicted to result in the amino acid substitution p.Arg1958Leu. To our knowledge, this variant has not been reported in the literature or in a large population database (gnomAD), indicating this variant is rare. At this time, the clinical significance of this variant is uncertain due to the absence of conclusive functional and genetic evidence.